The following is an entry in ClinVar:

ClinVar aggregate classification (germline): Uncertain significance (1 of 4 stars; one submission).

Conditions:
Autosomal dominant limb-girdle muscular dystrophy type 1G (LGMDD3). Also called: Limb-girdle muscular dystrophy, type 1G; MUSCULAR DYSTROPHY, LIMB-GIRDLE, AUTOSOMAL DOMINANT 3. Identifiers: Orphanet 55596, MedGen C1836765, MONDO:0012193, OMIM 609115.

Allele frequency attached by ClinVar (database versions not stated): gnomAD exomes below 0.00001; TOPMed below 0.00001.

Submission:

Labcorp Genetics (formerly Invitae), Labcorp
Classification: Uncertain significance for Autosomal dominant limb-girdle muscular dystrophy type 1G. Last evaluated: 2023-10-28. Review status: criteria provided, single submitter. Criteria: Invitae Variant Classification Sherloc (09022015). Collection method: clinical testing. Allele origin: germline.
Comment: This sequence change replaces methionine, which is neutral and non-polar, with isoleucine, which is neutral and non-polar, at codon 150 of the HNRNPDL protein (p.Met150Ile). This variant is not present in population databases (gnomAD no frequency). This variant has not been reported in the literature in individuals affected with HNRNPDL-related conditions. An algorithm developed to predict the effect of missense changes on protein structure and function (PolyPhen-2) suggests that this variant is likely to be disruptive. In summary, the available evidence is currently insufficient to determine the role of this variant in disease. Therefore, it has been classified as a Variant of Uncertain Significance.

NM_031372.4(HNRNPDL):c.450G>A (p.Met150Ile)

Gene: HNRNPDL (heterogeneous nuclear ribonucleoprotein D like; minus strand). Cytogenetic location: 4q21.22.
Variant type: single nucleotide variant.
Coding change: c.450G>A on transcript NM_031372.4 (MANE Select); coding-DNA position 450, G replaced by A.
Protein change: p.Met150Ile; replaces methionine 150 with isoleucine.
Molecular consequence: missense variant. On other transcripts: non-coding transcript variant (1).
Genome position (GRCh38, 1-based): chr4:82,428,440, C>T on the plus strand (G>A on the coding strand, the complement: HNRNPDL is on the minus strand). VCF-style: chr4-82428440-C-T. GRCh37 (hg19) VCF-style: chr4-83349593-C-T.
Other names: c.450G>A, p.Met150Ile (NM_001207000.1); short protein forms M150I.
Identifiers: ClinVar variation 2766185 (VCV002766185.3), dbSNP rs1721509010, ClinGen allele CA357171605.